The following is an entry in ClinVar:

ClinVar aggregate classification (germline): Uncertain significance (1 of 4 stars; one submission).

Conditions:
Diamond-Blackfan anemia. Also called: Blackfan Diamond syndrome; Aregenerative anemia chronic congenital; Red cell aplasia, pure hereditary; Congenital hypoplastic anemia; Aase syndrome. Identifiers: Orphanet 124, MedGen C1260899, MeSH D029503, MONDO:0015253, HP:0004810.
GATA binding protein 1 related thrombocytopenia with dyserythropoiesis. Also called: GATA1-Related Cytopenia; GATA1-Related X-Linked Cytopenia. Identifiers: MedGen C1845837, MONDO:0100089.

Allele frequency attached by ClinVar (database versions not stated): gnomAD exomes below 0.00001; TOPMed 0.00001.
gnomAD v4.1: 5 of 1,211,846 alleles (0.00041%); highest among the groups gnomAD compares: Non-Finnish European, 0.00022%; no homozygotes.

Submission:

Labcorp Genetics (formerly Invitae), Labcorp
Classification: Uncertain significance for GATA binding protein 1 related thrombocytopenia with dyserythropoiesis; Diamond-Blackfan anemia. Last evaluated: 2023-06-17. Review status: criteria provided, single submitter. Criteria: Invitae Variant Classification Sherloc (09022015). Collection method: clinical testing. Allele origin: germline.
Comment: This sequence change replaces serine, which is neutral and polar, with cysteine, which is neutral and slightly polar, at codon 116 of the GATA1 protein (p.Ser116Cys). This variant is present in population databases (no rsID available, gnomAD 0.03%), including at least one homozygous and/or hemizygous individual. This variant has not been reported in the literature in individuals affected with GATA1-related conditions. Advanced modeling of protein sequence and biophysical properties (such as structural, functional, and spatial information, amino acid conservation, physicochemical variation, residue mobility, and thermodynamic stability) performed at Invitae indicates that this missense variant is not expected to disrupt GATA1 protein function. In summary, the available evidence is currently insufficient to determine the role of this variant in disease. Therefore, it has been classified as a Variant of Uncertain Significance.

NM_002049.4(GATA1):c.347C>G (p.Ser116Cys)

Gene: GATA1 (GATA binding protein 1; plus strand). Cytogenetic location: Xp11.23.
Variant type: single nucleotide variant.
Coding change: c.347C>G on transcript NM_002049.4 (MANE Select); coding-DNA position 347, C replaced by G.
Protein change: p.Ser116Cys; replaces serine 116 with cysteine.
Molecular consequence: missense variant.
Genome position (GRCh38, 1-based): chrX:48,791,970, C>G. VCF-style: chrX-48791970-C-G. GRCh37 (hg19) VCF-style: chrX-48650377-C-G.
Other names: short protein forms S116C.
Identifiers: ClinVar variation 2925918 (VCV002925918.3), dbSNP rs1557020191, ClinGen allele CA412868470.
Genomic context (GRCh38, chrX:48,791,970, plus strand): 5'-GGGCCTACGGCAAGACGGGGCTCTACCCTGCCTCAACTGTGTGTCCCACCCGCGAGGACT[C>G]TCCTCCCCAGGCCGTGGAAGATCTGGATGGAAAAGGCAGCACCAGCTTCCTGGAGACTTT-3'
Protein context (NP_002040.1, residues 106-126): ASTVCPTRED[Ser116Cys]PPQAVEDLDG